The following is an entry in ClinVar:

NM_004415.4(DSP):c.1790C>T (p.Ser597Leu)

Gene: DSP (desmoplakin; plus strand). Cytogenetic location: 6p24.3.
Variant type: single nucleotide variant.
Coding change: c.1790C>T on transcript NM_004415.4 (MANE Select); coding-DNA position 1790, C replaced by T.
Protein change: p.Ser597Leu; replaces serine 597 with leucine.
Molecular consequence: missense variant.
Genome position (GRCh38, 1-based): chr6:7,571,471, C>T. VCF-style: chr6-7571471-C-T. GRCh37 (hg19) VCF-style: chr6-7571704-C-T.
Other names: p.S597L:TCA>TTA; c.1790C>T (LRG_423t1); c.1790C>T, p.Ser597Leu (NM_001008844.3, NM_001319034.2); short protein forms S597L.
Identifiers: ClinVar variation 157672 (VCV000157672.13), dbSNP rs606231294, ClinGen allele CA005162.

ClinVar aggregate classification (germline): Likely pathogenic. Review status: criteria provided, multiple submitters, no conflicts (2 of 4 stars). 4 submissions from 4 submitters: Likely pathogenic (3). 1 of the submissions does not count toward it. Last evaluated 2021-02-13.

Conditions:
Cardiomyopathy, dilated, with wooly hair, keratoderma, and tooth agenesis. Also called: Erythrokeratodermia-cardiomyopathy syndrome; Cardiomyopathy, dilated, with woolly hair, keratoderma, and tooth agenesis. Identifiers: Orphanet 476096, Orphanet 65282, MedGen C4014393, MONDO:0014355, OMIM 615821.
Arrhythmogenic right ventricular dysplasia 8 (ARVD8). Also called: Arrhythmogenic Right Ventricular Dysplasia/Cardiomyopathy 8; ARRHYTHMOGENIC RIGHT VENTRICULAR DYSPLASIA, FAMILIAL, 8; ARRHYTHMOGENIC RIGHT VENTRICULAR CARDIOMYOPATHY 8. Identifiers: MedGen C1843896, MONDO:0011831, OMIM 607450.
Arrhythmogenic cardiomyopathy with wooly hair and keratoderma. Also called: PALMOPLANTAR KERATODERMA WITH LEFT VENTRICULAR CARDIOMYOPATHY AND WOOLLY HAIR; Dilated cardiomyopathy with woolly hair and keratoderma; Arrhythmogenic cardiomyopathy with woolly hair and keratoderma; Carvajal syndrome. Identifiers: Orphanet 65282, MedGen C1854063, MONDO:0011581, OMIM 605676.

Submissions (4):

Labcorp Genetics (formerly Invitae), Labcorp
Classification: Likely pathogenic for Arrhythmogenic cardiomyopathy with wooly hair and keratoderma; Arrhythmogenic right ventricular dysplasia 8. Last evaluated: 2021-02-13. Review status: criteria provided, single submitter. Criteria: Invitae Variant Classification Sherloc (09022015). Collection method: clinical testing. Allele origin: germline.
Comment: In summary, the currently available evidence indicates that the variant is pathogenic, but additional data are needed to prove that conclusively. Therefore, this variant has been classified as Likely Pathogenic. Algorithms developed to predict the effect of missense changes on protein structure and function (SIFT, PolyPhen-2, Align-GVGD) all suggest that this variant is likely to be disruptive, but these predictions have not been confirmed by published functional studies and their clinical significance is uncertain. This variant has been observed in individual(s) with clinical features of dilated cardiomyopathy, woolly hair, palmoplantar hyperkeratosis with, or without, oligodontia (PMID: 20940358, Invitae, external communication). In at least one individual the variant was observed to be de novo. ClinVar contains an entry for this variant (Variation ID: 157672). This variant is not present in population databases (ExAC no frequency). This sequence change replaces serine with leucine at codon 597 of the DSP protein (p.Ser597Leu). The serine residue is highly conserved and there is a large physicochemical difference between serine and leucine.

GeneDx
Classification: Likely pathogenic. Last evaluated: 2017-04-11. Review status: criteria provided, single submitter. Criteria: GeneDx Variant Classification (06012015). Collection method: clinical testing. Allele origin: germline. Affected: yes.
Comment: The Ser597Leu substitution in the DSP gene has been reported in one family with autosomal dominant arrhythmogenic cardiomyopathy, palmoplantar keratoderma, woolly hair and oligodontia (Chalabreysse L et al., 2011). The Ser597Leu substitution was determined to be de novo in the proband's affected father (Chalabreysse L et al., 2011). Ser597Leu results in a non-conservative amino acid substitution of a neutral, polar Serine with a non-polar Leucine at a residue that is conserved across species. Therefore, we interpret p.S597L in DSP as a likely pathogenic variant.

Stanford Center for Inherited Cardiovascular Disease, Stanford University
Classification: Likely pathogenic. Last evaluated: 2011-12-02. Review status: criteria provided, single submitter. Criteria: ACMG Guidelines, 2015. Collection method: provider interpretation. Allele origin: germline.

OMIM
Classification: Pathogenic for CARDIOMYOPATHY, DILATED, WITH WOOLLY HAIR, KERATODERMA, AND TOOTH AGENESIS. Last evaluated: 2011-01-01. Review status: no assertion criteria provided. Collection method: literature only. Allele origin: germline. Not counted in ClinVar's aggregate classification.

Literature cited by the submitters: PubMed 20940358 (cited by Labcorp Genetics (formerly Invitae), Labcorp and OMIM).